The following is an entry in ClinVar:

ClinVar aggregate classification (germline): Uncertain significance. Review status: criteria provided, multiple submitters, no conflicts (2 of 4 stars). 2 submissions from 2 submitters: Uncertain significance (2). Last evaluated 2020-11-23.

Conditions:
Hermansky-Pudlak syndrome 1 (HPS1). Also called: DELTA STORAGE POOL DISEASE. Identifiers: Orphanet 231500, Orphanet 79430, MedGen C2931875, MONDO:0008748, OMIM 203300.

Allele frequency attached by ClinVar (database versions not stated): gnomAD exomes below 0.00001.
gnomAD v4.1: 2 of 1,613,904 alleles (0.00012%); highest among the groups gnomAD compares: South Asian, 0.0022%; no homozygotes.

Submissions (2):

Labcorp Genetics (formerly Invitae), Labcorp
Classification: Uncertain significance. Last evaluated: 2020-11-23. Review status: criteria provided, single submitter. Criteria: Invitae Variant Classification Sherloc (09022015). Collection method: clinical testing. Allele origin: germline.
Comment: This variant has not been reported in the literature in individuals with HPS1-related conditions. In summary, the available evidence is currently insufficient to determine the role of this variant in disease. Therefore, it has been classified as a Variant of Uncertain Significance. Algorithms developed to predict the effect of missense changes on protein structure and function (SIFT, PolyPhen-2, Align-GVGD) all suggest that this variant is likely to be tolerated, but these predictions have not been confirmed by published functional studies and their clinical significance is uncertain. This variant is not present in population databases (ExAC no frequency). This sequence change replaces methionine with isoleucine at codon 531 of the HPS1 protein (p.Met531Ile). The methionine residue is moderately conserved and there is a small physicochemical difference between methionine and isoleucine.

Neuberg Centre For Genomic Medicine, NCGM
Classification: Uncertain significance for Hermansky-Pudlak syndrome 1. Review status: criteria provided, single submitter. Criteria: ACMG Guidelines, 2015. Collection method: clinical testing. Allele origin: germline. Inheritance: Autosomal recessive inheritance. Affected: yes.
Comment: The missense c.1593G>C(p.Met531Ile) variant in HPS1 gene has not been reported as a pathogenic variant nor a benign variant, to our knowledge. The p.Met531Ile variant is novel (not in any individuals) in both gnomAD Exomes and 1000 Genomes databases. This variant has been reported to the ClinVar database as Uncertain Significance. The amino acid change p.Met531Ile in HPS1 is predicted as conserved by GERP++ and PhyloP across 100 vertebrates. The amino acid Met at position 531 is changed to a Ile changing protein sequence and it might alter its composition and physico-chemical properties. For these reasons, this variant has been classified as a Variant of Uncertain Significance (VUS).

NM_000195.5(HPS1):c.1593G>C (p.Met531Ile)

Gene: HPS1 (HPS1 biogenesis of lysosomal organelles complex 3 subunit 1; minus strand). Cytogenetic location: 10q24.2.
Variant type: single nucleotide variant.
Coding change: c.1593G>C on transcript NM_000195.5 (MANE Select); coding-DNA position 1593, G replaced by C.
Protein change: p.Met531Ile; replaces methionine 531 with isoleucine.
Molecular consequence: missense variant.
Genome position (GRCh38, 1-based): chr10:98,423,608, C>G on the plus strand (G>C on the coding strand, the complement: HPS1 is on the minus strand). VCF-style: chr10-98423608-C-G. GRCh37 (hg19) VCF-style: chr10-100183365-C-G.
Other names: c.621G>C, p.Met207Ile (NM_001311345.2, NM_001322487.2, NM_001322489.2); c.1593G>C, p.Met531Ile (NM_001322476.2, NM_001322477.2); c.1494G>C, p.Met498Ile (NM_001322478.2, NM_001322479.2); c.1332G>C, p.Met444Ile (NM_001322480.2, NM_001322481.2); c.1233G>C, p.Met411Ile (NM_001322482.2); c.1224G>C, p.Met408Ile (NM_001322483.2, NM_001322484.2); c.1125G>C, p.Met375Ile (NM_001322485.2); short protein forms M408I, M207I, M375I, M411I, M444I, M531I, M498I.
Identifiers: ClinVar variation 1464486 (VCV001464486.8), dbSNP rs2136134351, ClinGen allele CA378044905.